The following is an entry in ClinVar:

ClinVar aggregate classification (germline): Pathogenic (1 of 4 stars; one submission).

Conditions:
Multiple congenital anomalies-hypotonia-seizures syndrome 1 (MCAHS1). Also called: GLYCOSYLPHOSPHATIDYLINOSITOL BIOSYNTHESIS DEFECT 3; PIGN-CDG; Congenital disorder of glycosylation due to PIGN deficiency. Identifiers: Orphanet 280633, MedGen C3279775, MONDO:0013563, OMIM 614080.

Submission:

Labcorp Genetics (formerly Invitae), Labcorp
Classification: Pathogenic for Multiple congenital anomalies-hypotonia-seizures syndrome 1. Last evaluated: 2023-09-29. Review status: criteria provided, single submitter. Criteria: Invitae Variant Classification Sherloc (09022015). Collection method: clinical testing. Allele origin: unknown.
Comment: This variant is a gross deletion of the genomic region encompassing exon(s) 15-25 of the PIGN gene. This deletion is out-of-frame, and is expected to create a premature termination codon and result in an absent or disrupted protein product. Loss-of-function variants in PIGN are known to be pathogenic (PMID: 24253414, 27038415). This variant has not been reported in the literature in individuals affected with PIGN-related conditions. For these reasons, this variant has been classified as Pathogenic.

Literature cited by the submitters: PubMed 24253414; PubMed 27038415.

NC_000018.9:g.(?_59755969)_(59781892_?)del

Gene: PIGN (phosphatidylinositol glycan anchor biosynthesis class N; minus strand). Cytogenetic location: 18q21.33.
Variant type: Deletion.
Identifiers: ClinVar variation 3242774 (VCV003242774.1).